The following is an entry in ClinVar:

NM_001003722.2(GLE1):c.643-2A>G

Gene: GLE1 (GLE1 RNA export mediator; plus strand). Cytogenetic location: 9q34.11.
Variant type: single nucleotide variant.
Coding change: c.643-2A>G on transcript NM_001003722.2 (MANE Select); the canonical splice acceptor site of the intron before coding-DNA position 643, A replaced by G.
Molecular consequence: splice acceptor variant.
Genome position (GRCh38, 1-based): chr9:128,523,590, A>G. VCF-style: chr9-128523590-A-G. GRCh37 (hg19) VCF-style: chr9-131285869-A-G.
Other names: c.643-2A>G (NM_001499.2, NM_001411013.1).
Identifiers: ClinVar variation 2920104 (VCV002920104.3), dbSNP rs1248511253, ClinGen allele CA375039581.
Genomic context (GRCh38, chr9:128,523,590, plus strand): 5'-GACTGTAGAAAGAAGAAGCCCAGGAACCCCTCAGAGAGAAGTCACTCAGCCCTTTTCTAC[A>G]GATTCTCAACCTGAAGCTGCGGGAAGCAGAGCAGCAGCGCGTGAAGCAAGCAGAACAGGA-3'

ClinVar aggregate classification (germline): Likely pathogenic (1 of 4 stars; one submission).

gnomAD v4.1: 1 of 1,614,074 alleles (0.000062%); highest among the groups gnomAD compares: Admixed American, 0.0017%; no homozygotes.

Submission:

Labcorp Genetics (formerly Invitae), Labcorp
Classification: Likely pathogenic. Last evaluated: 2023-10-06. Review status: criteria provided, single submitter. Criteria: Invitae Variant Classification Sherloc (09022015). Collection method: clinical testing. Allele origin: germline.
Comment: This sequence change affects an acceptor splice site in intron 5 of the GLE1 gene. It is expected to disrupt RNA splicing. Variants that disrupt the donor or acceptor splice site typically lead to a loss of protein function (PMID: 16199547), and loss-of-function variants in GLE1 are known to be pathogenic (PMID: 18204449, 24243016, 27684565). This variant is present in population databases (no rsID available, gnomAD 0.003%). This variant has not been reported in the literature in individuals affected with GLE1-related conditions. Algorithms developed to predict the effect of sequence changes on RNA splicing suggest that this variant may disrupt the consensus splice site. In summary, the currently available evidence indicates that the variant is pathogenic, but additional data are needed to prove that conclusively. Therefore, this variant has been classified as Likely Pathogenic.

Literature cited by the submitters: PubMed 16199547; PubMed 18204449; PubMed 24243016; PubMed 27684565.